The following is an entry in ClinVar:

ClinVar aggregate classification (germline): Uncertain significance (1 of 4 stars; one submission).

Conditions:
Early Myoclonic Encephalopathy. Identifiers: MedGen C0270855.

Submission:

Labcorp Genetics (formerly Invitae), Labcorp
Classification: Uncertain significance for Early Myoclonic Encephalopathy. Last evaluated: 2025-01-13. Review status: criteria provided, single submitter. Criteria: Invitae Variant Classification Sherloc (09022015). Collection method: clinical testing. Allele origin: germline.
Comment: This sequence change replaces proline, which is neutral and non-polar, with arginine, which is basic and polar, at codon 1980 of the JMJD1C protein (p.Pro1980Arg). This variant is present in population databases (rs41274064, gnomAD 0.006%). This variant has not been reported in the literature in individuals affected with JMJD1C-related conditions. ClinVar contains an entry for this variant (Variation ID: 2048824). Invitae Evidence Modeling of protein sequence and biophysical properties (such as structural, functional, and spatial information, amino acid conservation, physicochemical variation, residue mobility, and thermodynamic stability) indicates that this missense variant is not expected to disrupt JMJD1C protein function with a negative predictive value of 80%. In summary, the available evidence is currently insufficient to determine the role of this variant in disease. Therefore, it has been classified as a Variant of Uncertain Significance.

NM_032776.3(JMJD1C):c.5939C>G (p.Pro1980Arg)

Gene: JMJD1C (jumonji domain containing 1C; minus strand). Cytogenetic location: 10q21.3.
Variant type: single nucleotide variant.
Coding change: c.5939C>G on transcript NM_032776.3 (MANE Select); coding-DNA position 5939, C replaced by G.
Protein change: p.Pro1980Arg; replaces proline 1980 with arginine.
Molecular consequence: missense variant. On other transcripts: non-coding transcript variant (1).
Genome position (GRCh38, 1-based): chr10:63,193,075, G>C on the plus strand (C>G on the coding strand, the complement: JMJD1C is on the minus strand). VCF-style: chr10-63193075-G-C. GRCh37 (hg19) VCF-style: chr10-64952835-G-C.
Other names: c.5393C>G, p.Pro1798Arg (NM_001282948.2, NM_001318154.2); c.5075C>G, p.Pro1692Arg (NM_001318153.2); c.5825C>G, p.Pro1942Arg (NM_001322252.2); c.5282C>G, p.Pro1761Arg (NM_001322254.2, NM_001322258.2); short protein forms P1980R, P1761R, P1942R, P1692R, P1798R.
Identifiers: ClinVar variation 2048824 (VCV002048824.4), dbSNP rs41274064, ClinGen allele CA5517990.